The following is an entry in ClinVar:

NM_001042492.3(NF1):c.1690G>T (p.Asp564Tyr)

Gene: NF1 (neurofibromin 1; plus strand). Cytogenetic location: 17q11.2.
Variant type: single nucleotide variant.
Coding change: c.1690G>T on transcript NM_001042492.3 (MANE Select); coding-DNA position 1690, G replaced by T.
Protein change: p.Asp564Tyr; replaces aspartic acid 564 with tyrosine.
Molecular consequence: missense variant.
Genome position (GRCh38, 1-based): chr17:31,221,898, G>T. VCF-style: chr17-31221898-G-T. GRCh37 (hg19) VCF-style: chr17-29548916-G-T.
Other names: c.1690G>T, p.Asp564Tyr (NM_000267.4, NM_001128147.3); short protein forms D564Y.
Identifiers: ClinVar variation 1508302 (VCV001508302.9), dbSNP rs2144004484, ClinGen allele CA399002317.

ClinVar aggregate classification (germline): Uncertain significance. Review status: criteria provided, multiple submitters, no conflicts (2 of 4 stars). 2 submissions from 2 submitters: Uncertain significance (2). Last evaluated 2023-12-04.

Conditions:
Hereditary cancer-predisposing syndrome. Also called: Neoplastic Syndromes, Hereditary; Hereditary Cancer Syndrome; Tumor predisposition; Hereditary neoplastic syndrome. Identifiers: Orphanet 140162, MedGen C0027672, MeSH D009386, MONDO:0015356.
Cardiovascular phenotype. Identifiers: MedGen CN230736.
Neurofibromatosis, type 1 (NF1). Also called: Neurofibromatosis, type I; Peripheral type neurofibromatosis; VON RECKLINGHAUSEN DISEASE; NEUROFIBROMATOSIS, TYPE I, SOMATIC. Identifiers: Orphanet 636, MedGen C0027831, MONDO:0018975, OMIM 162200. Disease mechanism: loss of function.

Submissions (2):

Ambry Genetics
Classification: Uncertain significance for Cardiovascular phenotype; Hereditary cancer-predisposing syndrome. Last evaluated: 2023-12-04. Review status: criteria provided, single submitter. Criteria: Ambry Variant Classification Scheme 2023. Collection method: clinical testing. Allele origin: germline.
Comment: The p.D564Y variant (also known as c.1690G>T), located in coding exon 15 of the NF1 gene, results from a G to T substitution at nucleotide position 1690. The aspartic acid at codon 564 is replaced by tyrosine, an amino acid with highly dissimilar properties. This amino acid position is conserved. In addition, the in silico prediction for this alteration is inconclusive. Since supporting evidence is limited at this time, the clinical significance of this alteration remains unclear.

Labcorp Genetics (formerly Invitae), Labcorp
Classification: Uncertain significance for Neurofibromatosis, type 1. Last evaluated: 2021-02-07. Review status: criteria provided, single submitter. Criteria: Invitae Variant Classification Sherloc (09022015). Collection method: clinical testing. Allele origin: germline.
Comment: This variant has not been reported in the literature in individuals with NF1-related conditions. This sequence change replaces aspartic acid with tyrosine at codon 564 of the NF1 protein (p.Asp564Tyr). The aspartic acid residue is highly conserved and there is a large physicochemical difference between aspartic acid and tyrosine. This variant is not present in population databases (ExAC no frequency). Advanced modeling of protein sequence and biophysical properties (such as structural, functional, and spatial information, amino acid conservation, physicochemical variation, residue mobility, and thermodynamic stability) performed at Invitae indicates that this missense variant is expected to disrupt NF1 protein function. In summary, the available evidence is currently insufficient to determine the role of this variant in disease. Therefore, it has been classified as a Variant of Uncertain Significance.